The following is an entry in ClinVar:

NM_006662.3(SRCAP):c.8640A>T (p.Ala2880=)

Gene: SRCAP (Snf2 related CREBBP activator protein; plus strand). Cytogenetic location: 16p11.2.
Variant type: single nucleotide variant.
Coding change: c.8640A>T on transcript NM_006662.3 (MANE Select); coding-DNA position 8640, A replaced by T.
Protein change: p.Ala2880=; no amino-acid change (alanine 2880 retained).
Molecular consequence: synonymous variant.
Genome position (GRCh38, 1-based): chr16:30,738,680, A>T. VCF-style: chr16-30738680-A-T. GRCh37 (hg19) VCF-style: chr16-30750001-A-T.
Identifiers: ClinVar variation 2646411 (VCV002646411.24), dbSNP rs2543429287, ClinGen allele CA494911777.
Genomic context (GRCh38, chr16:30,738,680, plus strand): 5'-GGGGAGGCCCCCCAAGAAGAACAGGTCTCCAGCAGATGCTGGGAGAGGTGTGGATGAGGC[A>T]CCCTCATCCACCTTGAAGGGAAAAACCAATGGGGCTGACCCAGTCCCTGGGCCTGAGACC-3'
Protein context (NP_006653.2, residues 2870-2890): PADAGRGVDE[Ala2880=]PSSTLKGKTN

ClinVar aggregate classification (germline): Likely benign (1 of 4 stars; one submission).

Submission:

CeGaT Center for Human Genetics Tuebingen
Classification: Likely benign. Last evaluated: 2024-03-01. Review status: criteria provided, single submitter. Criteria: CeGaT Center For Human Genetics Tuebingen Variant Classification Criteria Version 2. Collection method: clinical testing. Allele origin: germline. Affected: yes. Observed: 2 variant alleles.
Comment: SRCAP: PM2:Supporting, BP4, BP7